The following is an entry in ClinVar:

NM_001371986.1(UNC80):c.8615A>G (p.Glu2872Gly)

Gene: UNC80 (unc-80 homolog, NALCN channel complex subunit; plus strand). Cytogenetic location: 2q34.
Variant type: single nucleotide variant.
Coding change: c.8615A>G on transcript NM_001371986.1 (MANE Select); coding-DNA position 8615, A replaced by G.
Protein change: p.Glu2872Gly; replaces glutamic acid 2872 with glycine.
Molecular consequence: missense variant.
Genome position (GRCh38, 1-based): chr2:209,976,146, A>G. VCF-style: chr2-209976146-A-G. GRCh37 (hg19) VCF-style: chr2-210840870-A-G.
Other names: c.8417A>G, p.Glu2806Gly (NM_032504.2); c.8402A>G, p.Glu2801Gly (NM_182587.4); short protein forms E2801G, E2806G, E2872G.
Identifiers: ClinVar variation 1479332 (VCV001479332.4), dbSNP rs946064479, ClinGen allele CA350413632.
Genomic context (GRCh38, chr2:209,976,146, plus strand): 5'-GCAGGCTCATTTTTCTCTTTTCCCGGTGTGAAGCGCTGAAGGTGATTCTCGTCTGCTTTG[A>G]GAGGCAGCTCGGAAGCCAGTGGTACTGGCTGAGCCTCCAGGTGAAGGAGATGGCTCTGCG-3'
Protein context (NP_001358915.1, residues 2862-2882): LALKVILVCF[Glu2872Gly]RQLGSQWYWL

ClinVar aggregate classification (germline): Uncertain significance (1 of 4 stars; one submission).

Submission:

Labcorp Genetics (formerly Invitae), Labcorp
Classification: Uncertain significance. Last evaluated: 2023-07-17. Review status: criteria provided, single submitter. Criteria: Invitae Variant Classification Sherloc (09022015). Collection method: clinical testing. Allele origin: germline.
Comment: This variant is not present in population databases (gnomAD no frequency). This variant has not been reported in the literature in individuals affected with UNC80-related conditions. ClinVar contains an entry for this variant (Variation ID: 1479332). Advanced modeling of protein sequence and biophysical properties (such as structural, functional, and spatial information, amino acid conservation, physicochemical variation, residue mobility, and thermodynamic stability) performed at Invitae indicates that this missense variant is not expected to disrupt UNC80 protein function. In summary, the available evidence is currently insufficient to determine the role of this variant in disease. Therefore, it has been classified as a Variant of Uncertain Significance. This sequence change replaces glutamic acid, which is acidic and polar, with glycine, which is neutral and non-polar, at codon 2806 of the UNC80 protein (p.Glu2806Gly).